The following is an entry in ClinVar:

ClinVar aggregate classification (germline): Conflicting classifications of pathogenicity. Review status: criteria provided, conflicting classifications (1 of 4 stars). 2 submissions from 2 submitters: Likely pathogenic (1); Uncertain significance (1). Last evaluated 2026-09-17.

Conditions:
CFI-related disorder. Also called: CFI-related disorders; CFI-related condition. Identifiers: MedGen CN239325.

Allele frequency attached by ClinVar (database versions not stated): gnomAD exomes below 0.00001; gnomAD 0.00001; TOPMed 0.00001.
gnomAD v4.1: 9 of 1,613,918 alleles (0.00056%); highest among the groups gnomAD compares: Non-Finnish European, 0.00068%; no homozygotes.

Submissions (2):

Genomenon, Inc
Classification: Likely pathogenic for CFI-related disorder. Last evaluated: 2026-09-17. Review status: criteria provided, single submitter. Criteria: Genomenon Sequence Variant Interpretation Standards - Updated. Collection method: curation. Allele origin: germline. Affected: yes.
Comment: CFI p.Gly424Asp (c.1271G>A) is a missense variant that changes the amino acid at codon 424 from Glycine to Aspartic acid. This variant has been observed in at least one proband affected with a CFI-related disorder (PMID:32510551;26880462). Functional studies have been reported (PMID:32510551). This variant is located in a mutational hotspot and/or important functional domain. It is absent or not present at a significant frequency in gnomAD. In conclusion, we classify CFI p.Gly424Asp (c.1271G>A) as a likely pathogenic variant.

GeneDx
Classification: Uncertain significance. Last evaluated: 2019-08-07. Review status: criteria provided, single submitter. Criteria: GeneDx Variant Classification Process June 2021. Collection method: clinical testing. Allele origin: germline. Affected: yes.
Comment: Not observed in large population cohorts (Lek et al., 2016); In silico analysis, which includes protein predictors and evolutionary conservation, supports that this variant does not alter protein structure/function; This variant is associated with the following publications: (PMID: 20203157, 20016463, 26880462)

Literature cited by the submitters: PubMed 32510551 (cited by Genomenon, Inc); PubMed 26880462 (cited by Genomenon, Inc).

NM_000204.5(CFI):c.1271G>A (p.Gly424Asp)

Gene: CFI (complement factor I; minus strand). Cytogenetic location: 4q25.
Variant type: single nucleotide variant.
Coding change: c.1271G>A on transcript NM_000204.5 (MANE Select); coding-DNA position 1271, G replaced by A.
Protein change: p.Gly424Asp; replaces glycine 424 with aspartic acid.
Molecular consequence: missense variant. On other transcripts: non-coding transcript variant (2).
Genome position (GRCh38, 1-based): chr4:109,746,380, C>T on the plus strand (G>A on the coding strand, the complement: CFI is on the minus strand). VCF-style: chr4-109746380-C-T. GRCh37 (hg19) VCF-style: chr4-110667536-C-T.
Other names: c.1295G>A, p.Gly432Asp (NM_001318057.2, NM_001375278.1); c.1250G>A, p.Gly417Asp (NM_001331035.2, NM_001375280.1, NM_001375282.1); c.1271G>A, p.Gly424Asp (NM_001375279.1, NM_001375281.1); c.1214G>A, p.Gly405Asp (NM_001375283.1); c.662G>A, p.Gly221Asp (NM_001375284.1); short protein forms G221D, G405D, G417D, G424D, G432D.
Identifiers: ClinVar variation 1303210 (VCV001303210.4), dbSNP rs1210626952, ClinGen allele CA357857196.
Genomic context (GRCh38, chr4:109,746,380, plus strand): 5'-CAATCTTTTTTGTTTCCGTCTTTTTTCATTTCAATCAAAGCGATGTCATTTTGGTAAGTG[C>T]CTGCATTGTAGTTTTCATGGAAAATAATTCTATCCACGTATTCAATTACTATACGTTTAA-3'
Protein context (NP_000195.3, residues 414-434): RIIFHENYNA[Gly424Asp]TYQNDIALIE